The following is an entry in ClinVar:

NM_145059.3(FCSK):c.1409C>T (p.Ala470Val)

Gene: FCSK (fucose kinase; plus strand). Cytogenetic location: 16q22.1.
Variant type: single nucleotide variant.
Coding change: c.1409C>T on transcript NM_145059.3 (MANE Select); coding-DNA position 1409, C replaced by T.
Protein change: p.Ala470Val; replaces alanine 470 with valine.
Molecular consequence: missense variant.
Genome position (GRCh38, 1-based): chr16:70,472,985, C>T. VCF-style: chr16-70472985-C-T. GRCh37 (hg19) VCF-style: chr16-70506888-C-T.
Other names: short protein forms A470V.
Identifiers: ClinVar variation 3629399 (VCV003629399.2).
Genomic context (GRCh38, chr16:70,472,985, plus strand): 5'-GGGGAAGAGACTGGAGCTTTTGCTTCCCTCCTGGGAATGTGCCTTCTCCCCACATCAGAG[C>T]CTGGGACCTGTGGGACCCTGAGACGCTGCCCGCAGAGTACTGCCTTCCCAGCGCCCGCCT-3'
Protein context (NP_659496.2, residues 460-480): SEFFKRTGVR[Ala470Val]WDLWDPETLP

ClinVar aggregate classification (germline): Uncertain significance (1 of 4 stars; one submission).

Submission:

Labcorp Genetics (formerly Invitae), Labcorp
Classification: Uncertain significance. Last evaluated: 2024-12-18. Review status: criteria provided, single submitter. Criteria: Invitae Variant Classification Sherloc (09022015). Collection method: clinical testing. Allele origin: germline.
Comment: This sequence change replaces alanine, which is neutral and non-polar, with valine, which is neutral and non-polar, at codon 470 of the FUK protein (p.Ala470Val). This variant is not present in population databases (gnomAD no frequency). This variant has not been reported in the literature in individuals affected with FUK-related conditions. An algorithm developed to predict the effect of missense changes on protein structure and function (PolyPhen-2) suggests that this variant is likely to be tolerated. In summary, the available evidence is currently insufficient to determine the role of this variant in disease. Therefore, it has been classified as a Variant of Uncertain Significance.